The following is an entry in ClinVar:

ClinVar aggregate classification (germline): Pathogenic (1 of 4 stars; one submission).

Conditions:
Renal tubular acidosis with progressive nerve deafness. Also called: RENAL TUBULAR ACIDOSIS, AUTOSOMAL RECESSIVE, WITH PROGRESSIVE NERVE DEAFNESS; RTA WITH PROGRESSIVE NERVE DEAFNESS; Distal Renal Tubular Acidosis with Progressive Sensorineural Deafness; renal tubular acidosis, distal, 2, with progressive sensorineural hearing loss. Identifiers: MedGen C0403554, MONDO:0009968, OMIM 267300.

Submission:

Myriad Genetics, Inc.
Classification: Pathogenic for Renal tubular acidosis with progressive nerve deafness. Last evaluated: 2025-02-27. Review status: criteria provided, single submitter. Criteria: Myriad Autosomal Dominant, Autosomal Recessive and X-Linked Classification Criteria (2023). Collection method: clinical testing. Allele origin: unknown.
Comment: NM_001692.3(ATP6V1B1):c.112delC(R38Vfs*10) is expected to be pathogenic in the context of distal renal tubular acidosis with deafness, ATP6V1B1-related. This variant is predicted to lead to an abnormal or absent protein product due to the creation of a premature termination codon in ATP6V1B1, a gene where loss-of-function variants are known to be pathogenic. Please note: this variant was assessed in the context of healthy population screening.

NM_001692.4(ATP6V1B1):c.112del (p.Arg38fs)

Gene: ATP6V1B1 (ATPase H+ transporting V1 subunit B1; plus strand). Cytogenetic location: 2p13.3.
Variant type: Deletion.
Coding change: c.112del on transcript NM_001692.4 (MANE Select); coding-DNA position 112, one base deleted (C; older notation c.112delC).
Protein change: p.Arg38fs; shifts the reading frame from arginine 38.
Molecular consequence: frameshift variant.
Genome position (GRCh38, 1-based): chr2:70,936,066, C deleted; the last of 5 consecutive C bases (chr2:70,936,062-70,936,066); deleting any one gives the same sequence. VCF-style (leftmost placement, unchanged base first): chr2-70936061-AC-A. GRCh37 (hg19) VCF-style: chr2-71163191-AC-A.
Other names: short protein forms R38fs.
Identifiers: ClinVar variation 5014136 (VCV005014136.1).
Genomic context (GRCh38, chr2:70,936,061, plus strand): 5'-GCTGCAACCTAGGTGCAGCCCGAGAACACATGCAGGCGGTCACCCGAAACTACATCACCC[AC>A]CCCCGTGTCAGTGAGTAGCCCCTCCACCGTGACGGGTGAGGTCAGGGTGGGGAGCTGGGG-3'